The following is an entry in ClinVar:

ClinVar aggregate classification (germline): Uncertain significance (1 of 4 stars; one submission).

Conditions:
Congenital disorder of deglycosylation (CDDG). Identifiers: MedGen C3808991, MONDO:0031376.

gnomAD v4.1: 1 of 1,613,814 alleles (0.000062%); highest among the groups gnomAD compares: South Asian, 0.0011%; no homozygotes.

Submission:

Labcorp Genetics (formerly Invitae), Labcorp
Classification: Uncertain significance for Congenital disorder of deglycosylation. Last evaluated: 2021-04-12. Review status: criteria provided, single submitter. Criteria: Invitae Variant Classification Sherloc (09022015). Collection method: clinical testing. Allele origin: germline.
Comment: This sequence change replaces proline with alanine at codon 293 of the NGLY1 protein (p.Pro293Ala). The proline residue is highly conserved and there is a small physicochemical difference between proline and alanine. This variant is not present in population databases (ExAC no frequency). In summary, the available evidence is currently insufficient to determine the role of this variant in disease. Therefore, it has been classified as a Variant of Uncertain Significance. Algorithms developed to predict the effect of missense changes on protein structure and function are either unavailable or do not agree on the potential impact of this missense change (SIFT: "Tolerated"; PolyPhen-2: "Probably Damaging"; Align-GVGD: "Class C0"). This variant has not been reported in the literature in individuals with NGLY1-related conditions.

NM_018297.4(NGLY1):c.877C>G (p.Pro293Ala)

Gene: NGLY1 (N-glycanase 1; minus strand). Cytogenetic location: 3p24.2.
Variant type: single nucleotide variant.
Coding change: c.877C>G on transcript NM_018297.4 (MANE Select); coding-DNA position 877, C replaced by G.
Protein change: p.Pro293Ala; replaces proline 293 with alanine.
Molecular consequence: missense variant.
Genome position (GRCh38, 1-based): chr3:25,739,581, G>C on the plus strand (C>G on the coding strand, the complement: NGLY1 is on the minus strand). VCF-style: chr3-25739581-G-C. GRCh37 (hg19) VCF-style: chr3-25781072-G-C.
Other names: c.877C>G, p.Pro293Ala (NM_001145293.2, NM_001145295.2); c.751C>G, p.Pro251Ala (NM_001145294.2); short protein forms P251A, P293A.
Identifiers: ClinVar variation 1387124 (VCV001387124.6), dbSNP rs775963261, ClinGen allele CA351902312.